The following is an entry in ClinVar:

NM_002860.4(ALDH18A1):c.541A>G (p.Ser181Gly)

Gene: ALDH18A1 (aldehyde dehydrogenase 18 family member A1; minus strand). Cytogenetic location: 10q24.1.
Variant type: single nucleotide variant.
Coding change: c.541A>G on transcript NM_002860.4 (MANE Select); coding-DNA position 541, A replaced by G.
Protein change: p.Ser181Gly; replaces serine 181 with glycine.
Molecular consequence: missense variant. On other transcripts: intron variant (2).
Genome position (GRCh38, 1-based): chr10:95,637,110, T>C on the plus strand (A>G on the coding strand, the complement: ALDH18A1 is on the minus strand). VCF-style: chr10-95637110-T-C. GRCh37 (hg19) VCF-style: chr10-97396867-T-C.
Other names: c.541A>G, p.Ser181Gly (NM_001017423.2, NM_001323413.2, NM_001323414.2 and 1 more transcripts); c.208A>G, p.Ser70Gly (NM_001323412.2, NM_001323416.2, NM_001323418.2); c.-78-3461A>G (NM_001323419.2); c.453+177A>G (NM_001323417.2); short protein forms S181G, S70G.
Identifiers: ClinVar variation 3355310 (VCV003355310.1).
Genomic context (GRCh38, chr10:95,637,110, plus strand): 5'-ACCCTCACAGGTCCCACACCCATTTCAAAGCCCAGCCTCTCACCTGGGCAGCACAGATGC[T>C]GTACTGGGTAAACATAGCCTCATACAAGGCCATCAGCCCACTCTGTCCGGCAGCTGCACA-3'
Protein context (NP_002851.2, residues 171-191): ALYEAMFTQY[Ser181Gly]ICAAQILVTN

ClinVar aggregate classification (germline): Uncertain significance (0 of 4 stars; one submission).

Conditions:
ALDH18A1-related disorder. Also called: ALDH18A1-related disorders.

gnomAD v4.1: 4 of 1,614,158 alleles (0.00025%); highest among the groups gnomAD compares: Admixed American, 0.0033%; no homozygotes.

Submission:

PreventionGenetics, part of Exact Sciences
Classification: Uncertain significance for ALDH18A1-related condition. Last evaluated: 2024-04-04. Review status: no assertion criteria provided. Collection method: clinical testing. Allele origin: germline.
Comment: The ALDH18A1 c.541A>G variant is predicted to result in the amino acid substitution p.Ser181Gly. To our knowledge, this variant has not been reported in the literature. This variant is reported in 0.0058% of alleles in individuals of Latino descent in gnomAD. At this time, the clinical significance of this variant is uncertain due to the absence of conclusive functional and genetic evidence.